The following is an entry in ClinVar:

NM_001256071.3(RNF213):c.10997T>C (p.Met3666Thr)

Genes: RNF213-AS1 (RNF213 antisense RNA 1; minus strand), RNF213 (ring finger protein 213; plus strand). Cytogenetic location: 17q25.3.
Variant type: single nucleotide variant.
Coding change: c.10997T>C on transcript NM_001256071.3 (MANE Select); coding-DNA position 10997, T replaced by C.
Protein change: p.Met3666Thr; replaces methionine 3666 with threonine.
Molecular consequence: missense variant.
Genome position (GRCh38, 1-based): chr17:80,358,422, T>C. VCF-style: chr17-80358422-T-C. GRCh37 (hg19) VCF-style: chr17-78332222-T-C.
Other names: c.10997T>C (NM_001256071.2); short protein forms M3666T.
Identifiers: ClinVar variation 1166734 (VCV001166734.13), dbSNP rs375097553, ClinGen allele CA8821651.
Genomic context (GRCh38, chr17:80,358,422, plus strand): 5'-ACGGCAACCTAGAGTTACTGACCAGGCCAGATACTCCGCCCTGGGCAAGAGATCTTTGGA[T>C]GTTTATTTTCAGTGACACGATGCTTCTGAACATTCCTCTTGTGATGAATAATGAAAGGTG-3'
Protein context (NP_001243000.2, residues 3656-3676): DTPPWARDLW[Met3666Thr]FIFSDTMLLN

ClinVar aggregate classification (germline): Conflicting classifications of pathogenicity. Review status: criteria provided, conflicting classifications (1 of 4 stars). 3 submissions from 3 submitters: Uncertain significance (1); Benign (1); Likely benign (1). Last evaluated 2025-12-26.

Conditions:
RNF213-related disorder. Also called: RNF213-related condition.

Allele frequency attached by ClinVar (database versions not stated): 1000 Genomes Project 0.00080; 1000 Genomes Project 30x 0.00094; gnomAD exomes 0.00007 and 0.00034; TOPMed 0.00019; ExAC 0.00027.
gnomAD v4.1: 167 of 1,614,174 alleles (0.01%); highest among the groups gnomAD compares: East Asian, 0.23%; no homozygotes.

Submissions (3):

PreventionGenetics, part of Exact Sciences
Classification: Likely benign for RNF213-related condition. Last evaluated: 2025-12-26. Review status: criteria provided, single submitter. Criteria: ACMG Guidelines, 2015. Collection method: clinical testing. Allele origin: germline.
Comment: This variant is classified as likely benign based on ACMG/AMP sequence variant interpretation guidelines (Richards et al. 2015 PMID: 25741868, with internal and published modifications).

GeneDx
Classification: Uncertain significance. Last evaluated: 2025-02-24. Review status: criteria provided, single submitter. Criteria: GeneDx Variant Classification Process June 2021. Collection method: clinical testing. Allele origin: germline. Affected: yes.
Comment: Identified in an individual with an arteriovenous malformation hemorrhage (PMID: 33706059); In silico analysis supports that this missense variant has a deleterious effect on protein structure/function; This variant is associated with the following publications: (PMID: 27128593, 36660619, 31852724, 33706059, 26530418)

Labcorp Genetics (formerly Invitae), Labcorp
Classification: Benign. Last evaluated: 2023-07-13. Review status: criteria provided, single submitter. Criteria: Invitae Variant Classification Sherloc (09022015). Collection method: clinical testing. Allele origin: germline.